The following is an entry in ClinVar:

ClinVar aggregate classification (germline): Uncertain significance (1 of 4 stars; one submission).

Conditions:
RASopathy. Also called: rasopathies; Noonan spectrum disorder. Identifiers: Orphanet 536391, MedGen C5555857, MONDO:0021060.

Allele frequency attached by ClinVar (database versions not stated): gnomAD exomes below 0.00001.
gnomAD v4.1: 1 of 1,613,002 alleles (0.000062%); highest among the groups gnomAD compares: East Asian, 0.0022%; no homozygotes.

Submission:

Labcorp Genetics (formerly Invitae), Labcorp
Classification: Uncertain significance for RASopathy. Last evaluated: 2022-04-08. Review status: criteria provided, single submitter. Criteria: Invitae Variant Classification Sherloc (09022015). Collection method: clinical testing. Allele origin: germline.
Comment: Advanced modeling of protein sequence and biophysical properties (such as structural, functional, and spatial information, amino acid conservation, physicochemical variation, residue mobility, and thermodynamic stability) performed at Invitae indicates that this missense variant is expected to disrupt BRAF protein function. This sequence change replaces serine, which is neutral and polar, with leucine, which is neutral and non-polar, at codon 637 of the BRAF protein (p.Ser637Leu). This variant is not present in population databases (gnomAD no frequency). This variant has not been reported in the literature in individuals affected with BRAF-related conditions. In summary, the available evidence is currently insufficient to determine the role of this variant in disease. Therefore, it has been classified as a Variant of Uncertain Significance.

NM_004333.6(BRAF):c.1910C>T (p.Ser637Leu)

Gene: BRAF (B-Raf proto-oncogene, serine/threonine kinase; minus strand). Cytogenetic location: 7q34.
Variant type: single nucleotide variant.
Coding change: c.1910C>T on transcript NM_004333.6 (MANE Select); coding-DNA position 1910, C replaced by T.
Protein change: p.Ser637Leu; replaces serine 637 with leucine.
Molecular consequence: missense variant.
Genome position (GRCh38, 1-based): chr7:140,749,369, G>A on the plus strand (C>T on the coding strand, the complement: BRAF is on the minus strand). VCF-style: chr7-140749369-G-A. GRCh37 (hg19) VCF-style: chr7-140449169-G-A.
Other names: c.1910C>T, p.Ser637Leu (NM_001354609.2, NM_001378468.1, NM_001378474.1); c.2030C>T, p.Ser677Leu (NM_001374244.1, NM_001374258.1); c.1919C>T, p.Ser640Leu (NM_001378467.1); c.1844C>T, p.Ser615Leu (NM_001378469.1); c.1808C>T, p.Ser603Leu (NM_001378470.1); c.1799C>T, p.Ser600Leu (NM_001378471.1); c.1754C>T, p.Ser585Leu (NM_001378472.1, NM_001378473.1); c.1646C>T, p.Ser549Leu (NM_001378475.1); short protein forms S600L, S615L, S637L, S640L, S549L, S677L, S585L, S603L.
Identifiers: ClinVar variation 2123228 (VCV002123228.4), dbSNP rs2128994505, ClinGen allele CA369540988.